The following is an entry in ClinVar:

NM_001378452.1(ITPR1):c.4263C>G (p.His1421Gln)

Gene: ITPR1 (inositol 1,4,5-trisphosphate receptor type 1; plus strand). Cytogenetic location: 3p26.1.
Variant type: single nucleotide variant.
Coding change: c.4263C>G on transcript NM_001378452.1 (MANE Select); coding-DNA position 4263, C replaced by G.
Protein change: p.His1421Gln; replaces histidine 1421 with glutamine.
Molecular consequence: missense variant.
Genome position (GRCh38, 1-based): chr3:4,693,723, C>G. VCF-style: chr3-4693723-C-G. GRCh37 (hg19) VCF-style: chr3-4735407-C-G.
Other names: c.4236C>G, p.His1412Gln (NM_001099952.4); c.4218C>G, p.His1406Gln (NM_001168272.2); c.4191C>G, p.His1397Gln (NM_002222.7); short protein forms H1406Q, H1397Q, H1412Q, H1421Q.
Identifiers: ClinVar variation 345736 (VCV000345736.44), dbSNP rs61757110, ClinGen allele CA2231924.

ClinVar aggregate classification (germline): Benign/Likely benign. Review status: criteria provided, multiple submitters, no conflicts (2 of 4 stars). 8 submissions from 8 submitters: Benign (5); Likely benign (3). Last evaluated 2026-09-01.

Conditions:
Autosomal dominant cerebellar ataxia. Also called: Spinocerebellar Ataxia, Dominant. Identifiers: Orphanet 99, MedGen C4087347, MONDO:0020380.

Allele frequency attached by ClinVar (database versions not stated): gnomAD 0.00436; TOPMed 0.00523; ESP Exome Variant Server 0.00547; 1000 Genomes Project 0.00619; 1000 Genomes Project 30x 0.00718.
gnomAD v4.1: 2,611 of 1,612,892 alleles (0.16%); highest among the groups gnomAD compares: African/African-American, 1.5%; 12 homozygotes.

Submissions (8):

CeGaT Center for Human Genetics Tuebingen
Classification: Likely benign. Last evaluated: 2026-09-01. Review status: criteria provided, single submitter. Criteria: CeGaT Center For Human Genetics Tuebingen Variant Classification Criteria Version 2. Collection method: clinical testing. Allele origin: germline. Affected: yes. Observed: 10 variant alleles.
Comment: ITPR1: PP3, BS1

Labcorp Genetics (formerly Invitae), Labcorp
Classification: Benign. Last evaluated: 2026-01-28. Review status: criteria provided, single submitter. Criteria: Invitae Variant Classification Sherloc (09022015). Collection method: clinical testing. Allele origin: germline.

Blueprint Genetics
Classification: Benign. Last evaluated: 2024-11-07. Review status: criteria provided, single submitter. Criteria: ACMG Guidelines, 2015. Collection method: clinical testing. Allele origin: germline.

Athena Diagnostics
Classification: Benign. Last evaluated: 2024-05-22. Review status: criteria provided, single submitter. Criteria: Athena Diagnostics Criteria. Collection method: clinical testing. Allele origin: unknown.

GeneDx
Classification: Benign. Last evaluated: 2020-07-20. Review status: criteria provided, single submitter. Criteria: GeneDx Variant Classification Process June 2021. Collection method: clinical testing. Allele origin: germline. Affected: yes.

Illumina Laboratory Services, Illumina
Classification: Benign for Spinocerebellar Ataxia, Dominant. Last evaluated: 2018-01-13. Review status: criteria provided, single submitter. Criteria: ICSL Variant Classification Criteria 13 December 2019. Collection method: clinical testing. Allele origin: germline.
Comment: This variant was observed in the ICSL laboratory as part of a predisposition screen in an ostensibly healthy population. It had not been previously curated by ICSL or reported in the Human Gene Mutation Database (HGMD: prior to June 1st, 2018), and was therefore a candidate for classification through an automated scoring system. Utilizing variant allele frequency, disease prevalence and penetrance estimates, and inheritance mode, an automated score was calculated to assess if this variant is too frequent to cause the disease. Based on the score and internal cut-off values, a variant classified as benign is not then subjected to further curation. The score for this variant resulted in a classification of benign for this disease.

Center for Pediatric Genomic Medicine, Children's Mercy Hospital and Clinics
Classification: Likely benign. Last evaluated: 2016-12-28. Review status: criteria provided, single submitter. Criteria: ACMG Guidelines, 2015. Collection method: clinical testing. Allele origin: germline.
ClinVar note: Converted during submission from Likely Benign to Likely benign.

Breakthrough Genomics
Classification: Likely benign. Review status: criteria provided, single submitter. Criteria: ACMG Guidelines, 2015. Collection method: not provided. Allele origin: germline. Inheritance: Autosomal dominant inheritance. Affected: yes.

Literature cited by the submitters: PubMed 32321736 (cited by Athena Diagnostics).